The following is an entry in ClinVar:

ClinVar aggregate classification (germline): Likely benign (1 of 4 stars; one submission).

Conditions:
ATP6V0A4-related disorder. Also called: ATP6V0A4-related condition.

Submission:

PreventionGenetics, part of Exact Sciences
Classification: Likely benign for ATP6V0A4-related condition. Last evaluated: 2024-12-19. Review status: criteria provided, single submitter. Criteria: ACMG Guidelines, 2015. Collection method: clinical testing. Allele origin: germline.
Comment: This variant is classified as likely benign based on ACMG/AMP sequence variant interpretation guidelines (Richards et al. 2015 PMID: 25741868, with internal and published modifications).

NM_020632.3(ATP6V0A4):c.640-10G>T

Gene: ATP6V0A4 (ATPase H+ transporting V0 subunit a4; minus strand). Cytogenetic location: 7q34.
Variant type: single nucleotide variant.
Coding change: c.640-10G>T on transcript NM_020632.3 (MANE Select); 10 bases into the intron before coding-DNA position 640, G replaced by T.
Molecular consequence: intron variant.
Genome position (GRCh38, 1-based): chr7:138,756,550, C>A on the plus strand (G>T on the coding strand, the complement: ATP6V0A4 is on the minus strand). VCF-style: chr7-138756550-C-A. GRCh37 (hg19) VCF-style: chr7-138441295-C-A.
Other names: c.640-10G>T (NM_130840.3, NM_130841.3).
Identifiers: ClinVar variation 4983936 (VCV004983936.1).